The following is an entry in ClinVar:

ClinVar aggregate classification (germline): Pathogenic (1 of 4 stars; one submission).

Conditions:
Brain malformations with or without urinary tract defects. Also called: Brain malformations and urinary tract defects. Identifiers: MedGen C4478940, MONDO:0100478, OMIM 613735.

Submission:

Variantyx, Inc.
Classification: Pathogenic for Brain malformations with or without urinary tract defects. Last evaluated: 2025-05-09. Review status: criteria provided, single submitter. Criteria: Variantyx Assertion Criteria 2022. Collection method: clinical testing. Allele origin: de novo. Inheritance: Autosomal dominant inheritance. Affected: yes.
Comment: This is a frameshift variant in the NFIA gene (OMIM: 600727). Pathogenic variants in this gene have been associated with autosomal dominant brain malformations with or without urinary tract defects. It introduces a premature termination codon in exon 6 out of 11 exons and is expected to result in loss of function, which is a known disease mechanism for NFIA in this disorder (PMID:17530927, 28941020) (PVS1). This variant is absent from control populations (PM2) and it has not been reported in individuals with NFIA-related disorders in the databases available for review. Based on the current evidence, this variant is classified as pathogenic for autosomal dominant brain malformations with or without urinary tract defects.

Literature cited by the submitters: PubMed 17530927; PubMed 28941020.

NM_001134673.4(NFIA):c.918_921del (p.Ser307fs)

Gene: NFIA (nuclear factor I A; plus strand). Cytogenetic location: 1p31.3.
Variant type: Microsatellite.
Coding change: c.918_921del on transcript NM_001134673.4 (MANE Select); coding-DNA positions 918 to 921, 4 bases deleted (GTCA; older notation c.918_921delGTCA).
Protein change: p.Ser307fs; shifts the reading frame from serine 307.
Molecular consequence: frameshift variant.
Genome position (GRCh38, 1-based): chr1:61,359,246-61,359,249, GTCA deleted; deleting any 4 consecutive bases within chr1:61,359,240-61,359,249 gives the same sequence; the c. name uses the placement nearest the transcript's 3' end. VCF-style (leftmost placement, unchanged base first): chr1-61359239-GCAGT-G. GRCh37 (hg19) VCF-style: chr1-61824911-GCAGT-G.
Other names: c.894_897del, p.Ser299fs (NM_001145511.2); c.1053_1056del, p.Ser352fs (NM_001145512.2); c.918_921del, p.Ser307fs (NM_005595.5); short protein forms S299fs, S307fs, S352fs.
Identifiers: ClinVar variation 4813077 (VCV004813077.1).